The following is an entry in ClinVar:

NM_000090.4(COL3A1):c.1335A>G (p.Pro445=)

Gene: COL3A1 (collagen type III alpha 1 chain; plus strand). Cytogenetic location: 2q32.2.
Variant type: single nucleotide variant.
Coding change: c.1335A>G on transcript NM_000090.4 (MANE Select); coding-DNA position 1335, A replaced by G.
Protein change: p.Pro445=; no amino-acid change (proline 445 retained).
Molecular consequence: synonymous variant.
Genome position (GRCh38, 1-based): chr2:188,994,582, A>G. VCF-style: chr2-188994582-A-G. GRCh37 (hg19) VCF-style: chr2-189859308-A-G.
Identifiers: ClinVar variation 459761 (VCV000459761.13), dbSNP rs1193108024, ClinGen allele CA430309544.
Genomic context (GRCh38, chr2:188,994,582, plus strand): 5'-AGACTTTGTTATACTTTAGGGTGAGCCTGGTAAGAATGGTGCCAAAGGAGAGCCCGGACC[A>G]CGTGGTGAACGCGTAAGTTTTACTGCAACAGATCTGGTTATTTCTTGAAAAAATGCAACA-3'
Protein context (NP_000081.2, residues 435-455): GKNGAKGEPG[Pro445=]RGERGEAGIP

ClinVar aggregate classification (germline): Likely benign. Review status: criteria provided, multiple submitters, no conflicts (2 of 4 stars). 4 submissions from 4 submitters: Likely benign (4). Last evaluated 2026-05-17.

Conditions:
Familial thoracic aortic aneurysm and aortic dissection (TAAD). Also called: Thoracic aortic aneurysms and dissections. Identifiers: Orphanet 91387, MedGen C4707243, MONDO:0019625.
Ehlers-Danlos syndrome, type 4 (EDSVASC). Also called: Ehlers-Danlos syndrome vascular type; Ehlers Danlos syndrome, ecchymotic type; Ehlers Danlos syndrome, arterial type; Ehlers Danlos syndrome, Sack-Barabas type; Ehlers-Danlos Syndrome Type IV. Identifiers: Orphanet 286, MedGen C0268338, MONDO:0017314, OMIM 130050.

Allele frequency attached by ClinVar (database versions not stated): gnomAD exomes below 0.00001.
gnomAD v4.1: 2 of 1,614,178 alleles (0.00012%); highest among the groups gnomAD compares: Non-Finnish European, 0.00017%; no homozygotes.

Submissions (4):

Ambry Genetics
Classification: Likely benign for Familial thoracic aortic aneurysm and aortic dissection. Last evaluated: 2026-05-17. Review status: criteria provided, single submitter. Criteria: Ambry Variant Classification Scheme 2023. Collection method: clinical testing. Allele origin: germline.

Labcorp Genetics (formerly Invitae), Labcorp
Classification: Likely benign for Ehlers-Danlos syndrome, type 4. Last evaluated: 2025-05-14. Review status: criteria provided, single submitter. Criteria: Invitae Variant Classification Sherloc (09022015). Collection method: clinical testing. Allele origin: germline.

All of Us Research Program, National Institutes of Health
Classification: Likely benign for Ehlers-Danlos syndrome, type 4. Last evaluated: 2022-11-28. Review status: criteria provided, single submitter. Criteria: ACMG Guidelines, 2015. Collection method: clinical testing. Allele origin: germline. Inheritance: Autosomal dominant inheritance. Observed: 1 variant allele, 1 heterozygote.
Comment: This study involves interpretation of variants in research participants for the purpose of population health screening. Participant phenotype was not available at the time of variant classification. Additional details can be found in publication PMID: 35346344, PMCID: PMC8962531

Color Diagnostics, LLC DBA Color Health
Classification: Likely benign for Familial thoracic aortic aneurysm and aortic dissection. Last evaluated: 2019-03-30. Review status: criteria provided, single submitter. Criteria: ACMG Guidelines, 2015. Collection method: clinical testing. Allele origin: germline.